The following is an entry in ClinVar:

ClinVar aggregate classification (germline): Benign. Review status: criteria provided, multiple submitters, no conflicts (2 of 4 stars). 2 submissions from 2 submitters: Benign (2). Last evaluated 2018-06-14.

Allele frequency attached by ClinVar (database versions not stated): gnomAD 0.19045 and 0.19608; 1000 Genomes Project 0.19249; TOPMed 0.19940; 1000 Genomes Project 30x 0.20066.
gnomAD v4.1: 28,763 of 151,898 alleles (19%); highest among the groups gnomAD compares: African/African-American, 39%; 3,888 homozygotes.

Submissions (2):

GeneDx
Classification: Benign. Last evaluated: 2018-06-14. Review status: criteria provided, single submitter. Criteria: GeneDx Variant Classification (06012015). Collection method: clinical testing. Allele origin: germline. Affected: yes.
Comment: This variant is considered likely benign or benign based on one or more of the following criteria: it is a conservative change, it occurs at a poorly conserved position in the protein, it is predicted to be benign by multiple in silico algorithms, and/or has population frequency not consistent with disease.

Breakthrough Genomics
Classification: Benign. Review status: criteria provided, single submitter. Criteria: ACMG Guidelines, 2015. Collection method: not provided. Allele origin: germline. Inheritance: Autosomal recessive inheritance. Affected: yes.

NM_003477.3(PDHX):c.160+189A>G

Gene: PDHX (pyruvate dehydrogenase complex component X; plus strand). Cytogenetic location: 11p13.
Variant type: single nucleotide variant.
Coding change: c.160+189A>G on transcript NM_003477.3 (MANE Select); 189 bases into the intron after coding-DNA position 160, A replaced by G.
Molecular consequence: intron variant.
Genome position (GRCh38, 1-based): chr11:34,917,004, A>G. VCF-style: chr11-34917004-A-G. GRCh37 (hg19) VCF-style: chr11-34938551-A-G.
Other names: c.-21+518A>G (NM_001135024.2); c.160+189A>G (NM_001166158.2).
Identifiers: ClinVar variation 683423 (VCV000683423.2), dbSNP rs3818396, ClinGen allele CA13459337.